The following is an entry in ClinVar:

ClinVar aggregate classification (germline): Likely benign. Review status: criteria provided, single submitter (1 of 4 stars). 3 submissions from 1 submitter: Likely benign (3). Last evaluated 2018-01-12.

Conditions:
Leprechaunism syndrome. Also called: Donohue syndrome; LEPRECHAUNISM. Identifiers: Orphanet 508, MedGen C0265344, MONDO:0009517, OMIM 246200.
Rabson-Mendenhall syndrome. Also called: MENDENHALL SYNDROME; Pineal Hyperplasia, Insulin-Resistant Diabetes Mellitus, and Somatic Abnormalities; Pineal hyperplasia AND diabetes mellitus syndrome. Identifiers: Orphanet 769, MedGen C0271695, MONDO:0009874, OMIM 262190.
Insulin-resistant diabetes mellitus AND acanthosis nigricans. Also called: Insulin-resistance syndrome type A; INSULIN RECEPTOR, DEFECT IN, WITH INSULIN-RESISTANT DIABETES MELLITUS AND ACANTHOSIS NIGRICANS; IRAN, TYPE A; type A insulin resistance; DIABETES MELLITUS, INSULIN-RESISTANT, WITH ACANTHOSIS NIGRICANS, TYPE A. Identifiers: Orphanet 2297, MedGen C0342278, MONDO:0012520, OMIM 610549.

Allele frequency attached by ClinVar (database versions not stated): 1000 Genomes Project 0.00339; 1000 Genomes Project 30x 0.00344; gnomAD 0.00373 and 0.00376; TOPMed 0.00401.

Submissions (3):

Illumina Laboratory Services, Illumina
Classification: Likely benign for Leprechaunism syndrome. Last evaluated: 2018-01-12. Review status: criteria provided, single submitter. Criteria: ICSL Variant Classification Criteria 13 December 2019. Collection method: clinical testing. Allele origin: germline.
Comment: This variant was observed in the ICSL laboratory as part of a predisposition screen in an ostensibly healthy population. It had not been previously curated by ICSL or reported in the Human Gene Mutation Database (HGMD: prior to June 1st, 2018), and was therefore a candidate for classification through an automated scoring system. Utilizing variant allele frequency, disease prevalence and penetrance estimates, and inheritance mode, an automated score was calculated to assess if this variant is too frequent to cause the disease. Based on the score and internal cut-off values, a variant classified as likely benign is not then subjected to further curation. The score for this variant resulted in a classification of likely benign for this disease.

Illumina Laboratory Services, Illumina
Classification: Likely benign for Insulin-resistant diabetes mellitus AND acanthosis nigricans. Last evaluated: 2018-01-12. Review status: criteria provided, single submitter. Criteria: ICSL Variant Classification Criteria 13 December 2019. Collection method: clinical testing. Allele origin: germline.
Comment: the same text as in the submission from Illumina Laboratory Services, Illumina above.

Illumina Laboratory Services, Illumina
Classification: Likely benign for Rabson-Mendenhall syndrome. Last evaluated: 2018-01-12. Review status: criteria provided, single submitter. Criteria: ICSL Variant Classification Criteria 13 December 2019. Collection method: clinical testing. Allele origin: germline.
Comment: the same text as in the submission from Illumina Laboratory Services, Illumina above.

NM_000208.4(INSR):c.*1870C>G

Gene: INSR (insulin receptor; minus strand). Cytogenetic location: 19p13.2.
Variant type: single nucleotide variant.
Coding change: c.*1870C>G on transcript NM_000208.4 (MANE Select); 1870 bases downstream of the stop codon, C replaced by G.
Molecular consequence: 3 prime UTR variant.
Genome position (GRCh38, 1-based): chr19:7,115,186, G>C on the plus strand (C>G on the coding strand, the complement: INSR is on the minus strand). VCF-style: chr19-7115186-G-C. GRCh37 (hg19) VCF-style: chr19-7115197-G-C.
Other names: c.*1870C>G (NM_001079817.3).
Identifiers: ClinVar variation 330400 (VCV000330400.5), dbSNP rs41315072, ClinGen allele CA10643394.
Genomic context (GRCh38, chr19:7,115,186, plus strand): 5'-TGCCATTATGACTCTATCCCATTCTTAAGCCCACAACTCTTAAGAGAAGAAGAAAAGGAA[G>C]CAGTCAAAAAGTTGTAAGAAAATGCACTCAGGAATAACGCATGGGCGATGATTTTTTGAT-3'